The following is an entry in ClinVar:

ClinVar aggregate classification (germline): Benign/Likely benign. Review status: criteria provided, multiple submitters, no conflicts (2 of 4 stars). 3 submissions from 3 submitters: Benign (1); Likely benign (2). Last evaluated 2025-03-07.

Conditions:
Mitochondrial complex II deficiency, nuclear type 1. Also called: SUCCINATE CoQ REDUCTASE DEFICIENCY. Identifiers: Orphanet 3208, MedGen C5700310, MONDO:0100294, OMIM 252011.
Pheochromocytoma/paraganglioma syndrome 5. Also called: Paragangliomas 5; SDHA-Related Hereditary Paraganglioma-Pheochromocytoma Syndrome. Identifiers: Orphanet 29072, MedGen C3279992, MONDO:0013602, OMIM 614165.
Hereditary cancer-predisposing syndrome. Also called: Hereditary Cancer Syndrome; Neoplastic Syndromes, Hereditary; Tumor predisposition; Hereditary neoplastic syndrome. Identifiers: Orphanet 140162, MedGen C0027672, MeSH D009386, MONDO:0015356.

Submissions (3):

Myriad Genetics, Inc.
Classification: Benign for Pheochromocytoma/paraganglioma syndrome 5. Last evaluated: 2025-03-07. Review status: criteria provided, single submitter. Criteria: Myriad Autosomal Dominant, Autosomal Recessive and X-Linked Classification Criteria (2023). Collection method: clinical testing. Allele origin: unknown.
Comment: This variant is considered benign. This variant is a silent/synonymous amino acid change and it is not expected to impact splicing.

Ambry Genetics
Classification: Likely benign for Hereditary cancer-predisposing syndrome. Last evaluated: 2025-01-24. Review status: criteria provided, single submitter. Criteria: Ambry Variant Classification Scheme 2023. Collection method: clinical testing. Allele origin: germline.

Labcorp Genetics (formerly Invitae), Labcorp
Classification: Likely benign for Pheochromocytoma/paraganglioma syndrome 5; Mitochondrial complex II deficiency, nuclear type 1. Last evaluated: 2022-04-09. Review status: criteria provided, single submitter. Criteria: Invitae Variant Classification Sherloc (09022015). Collection method: clinical testing. Allele origin: germline.

NM_004168.4(SDHA):c.1161C>T (p.Ala387=)

Gene: SDHA (succinate dehydrogenase complex flavoprotein subunit A; plus strand). Cytogenetic location: 5p15.33.
Variant type: single nucleotide variant.
Coding change: c.1161C>T on transcript NM_004168.4 (MANE Select); coding-DNA position 1161, C replaced by T.
Protein change: p.Ala387=; no amino-acid change (alanine 387 retained).
Molecular consequence: synonymous variant.
Genome position (GRCh38, 1-based): chr5:235,240, C>T. VCF-style: chr5-235240-C-T. GRCh37 (hg19) VCF-style: chr5-235355-C-T.
Other names: c.1017C>T, p.Ala339= (NM_001294332.2); c.1161C>T, p.Ala387= (NM_001330758.2); c.1161C>T (NM_004168.2).
Identifiers: ClinVar variation 2156401 (VCV002156401.6), dbSNP rs1735697352, ClinGen allele CA442691987.